The following is an entry in ClinVar:

NM_018723.4(RBFOX1):c.199C>T (p.Pro67Ser)

Gene: RBFOX1 (RNA binding fox-1 homolog 1; plus strand). Cytogenetic location: 16p13.3.
Variant type: single nucleotide variant.
Coding change: c.199C>T on transcript NM_018723.4 (MANE Select); coding-DNA position 199, C replaced by T.
Protein change: p.Pro67Ser; replaces proline 67 with serine.
Molecular consequence: missense variant.
Genome position (GRCh38, 1-based): chr16:7,518,318, C>T. VCF-style: chr16-7518318-C-T. GRCh37 (hg19) VCF-style: chr16-7568320-C-T.
Other names: c.199C>T, p.Pro67Ser (NM_001142333.2, NM_001142334.2, NM_001364800.2); c.328C>T, p.Pro110Ser (NM_001308117.1); c.259C>T, p.Pro87Ser (NM_145891.3, NM_145892.3, NM_145893.3); short protein forms P67S, P87S, P110S.
Identifiers: ClinVar variation 241956 (VCV000241956.11), dbSNP rs143573994, ClinGen allele CA7891356.

ClinVar aggregate classification (germline): Uncertain significance. Review status: criteria provided, multiple submitters, no conflicts (2 of 4 stars). 2 submissions from 2 submitters: Uncertain significance (2). Last evaluated 2025-08-11.

Conditions:
Inborn genetic diseases. Identifiers: MedGen C0950123, MeSH D030342.
Idiopathic generalized epilepsy. Also called: EIG; Generalised epilepsy. Identifiers: MedGen C0270850, MONDO:0005579, OMIM 600669.

Allele frequency attached by ClinVar (database versions not stated): TOPMed 0.00004.
gnomAD v4.1: 47 of 1,613,980 alleles (0.0029%); highest among the groups gnomAD compares: Middle Eastern, 0.016%; no homozygotes.

Submissions (2):

Labcorp Genetics (formerly Invitae), Labcorp
Classification: Uncertain significance for Idiopathic generalized epilepsy. Last evaluated: 2025-08-11. Review status: criteria provided, single submitter. Criteria: Invitae Variant Classification Sherloc (09022015). Collection method: clinical testing. Allele origin: germline.
Comment: This sequence change replaces proline, which is neutral and non-polar, with serine, which is neutral and polar, at codon 87 of the RBFOX1 protein (p.Pro87Ser). This variant is present in population databases (rs143573994, gnomAD 0.006%). This variant has not been reported in the literature in individuals affected with RBFOX1-related conditions. ClinVar contains an entry for this variant (Variation ID: 241956). Invitae Evidence Modeling of protein sequence and biophysical properties (such as structural, functional, and spatial information, amino acid conservation, physicochemical variation, residue mobility, and thermodynamic stability) indicates that this missense variant is not expected to disrupt RBFOX1 protein function with a negative predictive value of 80%. In summary, the available evidence is currently insufficient to determine the role of this variant in disease. Therefore, it has been classified as a Variant of Uncertain Significance.

Ambry Genetics
Classification: Uncertain significance for Inborn genetic diseases. Last evaluated: 2022-05-11. Review status: criteria provided, single submitter. Criteria: Ambry Variant Classification Scheme 2023. Collection method: clinical testing. Allele origin: germline.